The following is an entry in ClinVar:

ClinVar aggregate classification (germline): Uncertain significance (1 of 4 stars; one submission).

Conditions:
Charcot-Marie-Tooth disease axonal type 2O. Also called: CHARCOT-MARIE-TOOTH NEUROPATHY, AXONAL, TYPE 2O; CHARCOT-MARIE-TOOTH DISEASE, AXONAL, AUTOSOMAL DOMINANT, TYPE 2O; Charcot-Marie-Tooth Neuropathy Type 2O; Charcot-Marie-Tooth disease, axonal, type 20. Identifiers: Orphanet 284232, MedGen C3280220, MONDO:0013644, OMIM 614228.

Submission:

Labcorp Genetics (formerly Invitae), Labcorp
Classification: Uncertain significance for Charcot-Marie-Tooth disease axonal type 2O. Last evaluated: 2025-09-22. Review status: criteria provided, single submitter. Criteria: Invitae Variant Classification Sherloc (09022015). Collection method: clinical testing. Allele origin: germline.
Comment: This sequence change replaces valine, which is neutral and non-polar, with leucine, which is neutral and non-polar, at codon 2103 of the DYNC1H1 protein (p.Val2103Leu). This variant is not present in population databases (gnomAD no frequency). This variant has not been reported in the literature in individuals affected with DYNC1H1-related conditions. Invitae Evidence Modeling of protein sequence and biophysical properties (such as structural, functional, and spatial information, amino acid conservation, physicochemical variation, residue mobility, and thermodynamic stability) indicates that this missense variant is not expected to disrupt DYNC1H1 protein function with a negative predictive value of 95%. In summary, the available evidence is currently insufficient to determine the role of this variant in disease. Therefore, it has been classified as a Variant of Uncertain Significance.

NM_001376.5(DYNC1H1):c.6307G>C (p.Val2103Leu)

Gene: DYNC1H1 (dynein cytoplasmic 1 heavy chain 1; plus strand). Cytogenetic location: 14q32.31.
Variant type: single nucleotide variant.
Coding change: c.6307G>C on transcript NM_001376.5 (MANE Select); coding-DNA position 6307, G replaced by C.
Protein change: p.Val2103Leu; replaces valine 2103 with leucine.
Molecular consequence: missense variant.
Genome position (GRCh38, 1-based): chr14:102,010,361, G>C. VCF-style: chr14-102010361-G-C. GRCh37 (hg19) VCF-style: chr14-102476698-G-C.
Other names: short protein forms V2103L.
Identifiers: ClinVar variation 4802056 (VCV004802056.1).